The following is an entry in ClinVar:

ClinVar aggregate classification (germline): Conflicting classifications of pathogenicity. Review status: criteria provided, conflicting classifications (1 of 4 stars). 2 submissions from 2 submitters: Pathogenic (1); Uncertain significance (1). Last evaluated 2025-10-03.

Conditions:
Cystinuria (CSNU). Also called: CYSTINURIA, TYPE I; CYSTINURIA, TYPE II; CYSTINURIA, TYPE III; Cystinuria, non-type I. Identifiers: Orphanet 214, MedGen C0010691, MONDO:0009067, OMIM 220100, HP:0003131.

Allele frequency attached by ClinVar (database versions not stated): gnomAD exomes 0.00002.
gnomAD v4.1: 26 of 1,614,146 alleles (0.0016%); highest among the groups gnomAD compares: Non-Finnish European, 0.0022%; no homozygotes.

Submissions (2):

Rare Kidney Stone Consortium and the Mayo Clinic Hyperoxaluria Center, Mayo Clinic
Classification: Pathogenic for Cystinuria. Last evaluated: 2025-10-03. Review status: criteria provided, single submitter. Criteria: ACMG Guidelines, 2015. Collection method: research. Allele origin: germline. Affected: yes. Observed: 1 variant allele.
Comment: ACMG:PM1, PM2, PP3, PP4

Labcorp Genetics (formerly Invitae), Labcorp
Classification: Uncertain significance. Last evaluated: 2022-04-11. Review status: criteria provided, single submitter. Criteria: Invitae Variant Classification Sherloc (09022015). Collection method: clinical testing. Allele origin: germline.
Comment: This sequence change replaces cysteine, which is neutral and slightly polar, with arginine, which is basic and polar, at codon 65 of the SLC7A9 protein (p.Cys65Arg). This variant is not present in population databases (gnomAD no frequency). This missense change has been observed in individual(s) with cystinuria (PMID: 25109415). Algorithms developed to predict the effect of missense changes on protein structure and function are either unavailable or do not agree on the potential impact of this missense change (SIFT: "Tolerated"; PolyPhen-2: "Probably Damaging"; Align-GVGD: "Class C0"). In summary, the available evidence is currently insufficient to determine the role of this variant in disease. Therefore, it has been classified as a Variant of Uncertain Significance.

Literature cited by the submitters: PubMed 25109415 (cited by Rare Kidney Stone Consortium and the Mayo Clinic Hyperoxaluria Center, Mayo Clinic and Labcorp Genetics (formerly Invitae), Labcorp); PubMed 28812535 (cited by Rare Kidney Stone Consortium and the Mayo Clinic Hyperoxaluria Center, Mayo Clinic); PubMed 40794449 (cited by Rare Kidney Stone Consortium and the Mayo Clinic Hyperoxaluria Center, Mayo Clinic).

NM_014270.5(SLC7A9):c.193T>C (p.Cys65Arg)

Gene: SLC7A9 (solute carrier family 7 member 9; minus strand). Cytogenetic location: 19q13.11.
Variant type: single nucleotide variant.
Coding change: c.193T>C on transcript NM_014270.5 (MANE Select); coding-DNA position 193, T replaced by C.
Protein change: p.Cys65Arg; replaces cysteine 65 with arginine.
Molecular consequence: missense variant.
Genome position (GRCh38, 1-based): chr19:32,864,671, A>G on the plus strand (T>C on the coding strand, the complement: SLC7A9 is on the minus strand). VCF-style: chr19-32864671-A-G. GRCh37 (hg19) VCF-style: chr19-33355577-A-G.
Other names: c.193T>C, p.Cys65Arg (NM_001126335.2, NM_001243036.2); short protein forms C65R.
Identifiers: ClinVar variation 2138270 (VCV002138270.5), dbSNP rs2513609956, ClinGen allele CA405204345.